The following is an entry in ClinVar:

ClinVar aggregate classification (germline): Likely benign (1 of 4 stars; one submission).

Conditions:
Malignant hyperthermia, susceptibility to, 5 (MHS5). Also called: CACNA1S-Related Malignant Hyperthermia Susceptibility. Identifiers: Orphanet 423, MedGen C1866077, MONDO:0011163, OMIM 601887.

gnomAD v4.1: 1 of 1,613,572 alleles (0.000062%); highest among the groups gnomAD compares: East Asian, 0.0022%; no homozygotes.

Submission:

All of Us Research Program, National Institutes of Health
Classification: Likely benign for Malignant hyperthermia, susceptibility to, 5. Last evaluated: 2024-06-17. Review status: criteria provided, single submitter. Criteria: ACMG Guidelines, 2015. Collection method: clinical testing. Allele origin: germline. Inheritance: Autosomal dominant inheritance. Observed: 1 variant allele, 1 heterozygote.
Comment: This study involves interpretation of variants in research participants for the purpose of population health screening. Participant phenotype was not available at the time of variant classification. Additional details can be found in publication PMID: 35346344, PMCID: PMC8962531

NM_000069.3(CACNA1S):c.1005-13C>T

Gene: CACNA1S (calcium voltage-gated channel subunit alpha1 S; minus strand). Cytogenetic location: 1q32.1.
Variant type: single nucleotide variant.
Coding change: c.1005-13C>T on transcript NM_000069.3 (MANE Select); 13 bases into the intron before coding-DNA position 1005, C replaced by T.
Molecular consequence: intron variant.
Genome position (GRCh38, 1-based): chr1:201,085,594, G>A on the plus strand (C>T on the coding strand, the complement: CACNA1S is on the minus strand). VCF-style: chr1-201085594-G-A. GRCh37 (hg19) VCF-style: chr1-201054722-G-A.
Identifiers: ClinVar variation 3386395 (VCV003386395.1).